The following is an entry in ClinVar:

ClinVar aggregate classification (germline): Benign/Likely benign. Review status: criteria provided, multiple submitters, no conflicts (2 of 4 stars). 3 submissions from 3 submitters: Benign (1); Likely benign (2). Last evaluated 2025-10-06.

Conditions:
Hereditary cancer-predisposing syndrome. Also called: Tumor predisposition; Neoplastic Syndromes, Hereditary; Hereditary Cancer Syndrome; Hereditary neoplastic syndrome. Identifiers: Orphanet 140162, MedGen C0027672, MeSH D009386, MONDO:0015356.
Pheochromocytoma/paraganglioma syndrome 5. Also called: Paragangliomas 5; SDHA-Related Hereditary Paraganglioma-Pheochromocytoma Syndrome. Identifiers: Orphanet 29072, MedGen C3279992, MONDO:0013602, OMIM 614165.
Mitochondrial complex II deficiency, nuclear type 1. Also called: SUCCINATE CoQ REDUCTASE DEFICIENCY. Identifiers: Orphanet 3208, MedGen C5700310, MONDO:0100294, OMIM 252011.

gnomAD v4.1: 1 of 1,457,254 alleles (0.000069%); highest among the groups gnomAD compares: South Asian, 0.0014%; no homozygotes.

Submissions (3):

Labcorp Genetics (formerly Invitae), Labcorp
Classification: Likely benign for Pheochromocytoma/paraganglioma syndrome 5; Mitochondrial complex II deficiency, nuclear type 1. Last evaluated: 2025-10-06. Review status: criteria provided, single submitter. Criteria: Invitae Variant Classification Sherloc (09022015). Collection method: clinical testing. Allele origin: germline.

Myriad Genetics, Inc.
Classification: Benign for Pheochromocytoma/paraganglioma syndrome 5. Last evaluated: 2025-02-27. Review status: criteria provided, single submitter. Criteria: Myriad Autosomal Dominant, Autosomal Recessive and X-Linked Classification Criteria (2023). Collection method: clinical testing. Allele origin: unknown.
Comment: This variant is considered benign. This variant is a silent/synonymous amino acid change and it is not expected to impact splicing.

Ambry Genetics
Classification: Likely benign for Hereditary cancer-predisposing syndrome. Last evaluated: 2020-06-30. Review status: criteria provided, single submitter. Criteria: Ambry Variant Classification Scheme 2023. Collection method: clinical testing. Allele origin: germline.

NM_004168.4(SDHA):c.13C>A (p.Arg5=)

Gene: SDHA (succinate dehydrogenase complex flavoprotein subunit A; plus strand). Cytogenetic location: 5p15.33.
Variant type: single nucleotide variant.
Coding change: c.13C>A on transcript NM_004168.4 (MANE Select); coding-DNA position 13, C replaced by A.
Protein change: p.Arg5=; no amino-acid change (arginine 5 retained).
Molecular consequence: synonymous variant.
Genome position (GRCh38, 1-based): chr5:218,368, C>A. VCF-style: chr5-218368-C-A. GRCh37 (hg19) VCF-style: chr5-218483-C-A.
Other names: c.13C>A, p.Arg5= (NM_001294332.2, NM_001330758.2).
Identifiers: ClinVar variation 1131130 (VCV001131130.12), dbSNP rs770866830, ClinGen allele CA442689531.